The following is an entry in ClinVar:

ClinVar aggregate classification (germline): Uncertain significance (1 of 4 stars; one submission).

Conditions:
Epileptic encephalopathy. Identifiers: MedGen C0543888, HP:0200134.

Allele frequency attached by ClinVar (database versions not stated): gnomAD exomes below 0.00001; TOPMed below 0.00001.
gnomAD v4.1: 5 of 1,613,884 alleles (0.00031%); highest among the groups gnomAD compares: Admixed American, 0.0067%; no homozygotes.

Submission:

Labcorp Genetics (formerly Invitae), Labcorp
Classification: Uncertain significance for Epileptic encephalopathy. Last evaluated: 2021-08-24. Review status: criteria provided, single submitter. Criteria: Invitae Variant Classification Sherloc (09022015). Collection method: clinical testing. Allele origin: germline.
Comment: This sequence change replaces glycine with tryptophan at codon 4270 of the RYR3 protein (p.Gly4270Trp). The glycine residue is moderately conserved and there is a large physicochemical difference between glycine and tryptophan. This variant is not present in population databases (ExAC no frequency). This variant has not been reported in the literature in individuals affected with RYR3-related conditions. Algorithms developed to predict the effect of missense changes on protein structure and function are either unavailable or do not agree on the potential impact of this missense change (SIFT: "Deleterious"; PolyPhen-2: "Probably Damaging"; Align-GVGD: "Class C0"). In summary, the available evidence is currently insufficient to determine the role of this variant in disease. Therefore, it has been classified as a Variant of Uncertain Significance.

NM_001036.6(RYR3):c.12808G>T (p.Gly4270Trp)

Gene: RYR3 (ryanodine receptor 3; plus strand). Cytogenetic location: 15q14.
Variant type: single nucleotide variant.
Coding change: c.12808G>T on transcript NM_001036.6 (MANE Select); coding-DNA position 12808, G replaced by T.
Protein change: p.Gly4270Trp; replaces glycine 4270 with tryptophan.
Molecular consequence: missense variant.
Genome position (GRCh38, 1-based): chr15:33,838,788, G>T. VCF-style: chr15-33838788-G-T. GRCh37 (hg19) VCF-style: chr15-34130989-G-T.
Other names: c.12793G>T, p.Gly4265Trp (NM_001243996.4); short protein forms G4265W, G4270W.
Identifiers: ClinVar variation 951253 (VCV000951253.7), dbSNP rs1313607569, ClinGen allele CA391596069.